The following is an entry in ClinVar:

NM_002880.4(RAF1):c.1150C>T (p.Pro384Ser)

Gene: RAF1 (Raf-1 proto-oncogene, serine/threonine kinase; minus strand). Cytogenetic location: 3p25.2.
Variant type: single nucleotide variant.
Coding change: c.1150C>T on transcript NM_002880.4 (MANE Select); coding-DNA position 1150, C replaced by T.
Protein change: p.Pro384Ser; replaces proline 384 with serine.
Molecular consequence: missense variant. On other transcripts: non-coding transcript variant (3).
Genome position (GRCh38, 1-based): chr3:12,591,751, G>A on the plus strand (C>T on the coding strand, the complement: RAF1 is on the minus strand). VCF-style: chr3-12591751-G-A. GRCh37 (hg19) VCF-style: chr3-12633250-G-A.
Other names: c.1210C>T, p.Pro404Ser (NM_001354689.3); c.1150C>T, p.Pro384Ser (NM_001354690.3); c.907C>T, p.Pro303Ser (NM_001354691.3, NM_001354692.3); c.1051C>T, p.Pro351Ser (NM_001354693.3); c.967C>T, p.Pro323Ser (NM_001354694.3); c.808C>T, p.Pro270Ser (NM_001354695.3); short protein forms P384S, P404S, P303S, P351S, P270S, P323S.
Identifiers: ClinVar variation 863709 (VCV000863709.10), dbSNP rs140788943, ClinGen allele CA351503947.

ClinVar aggregate classification (germline): Uncertain significance. Review status: criteria provided, multiple submitters, no conflicts (2 of 4 stars). 2 submissions from 2 submitters: Uncertain significance (2). Last evaluated 2025-05-23.

Conditions:
RASopathy. Also called: Noonan spectrum disorder; rasopathies. Identifiers: Orphanet 536391, MedGen C5555857, MONDO:0021060.

Submissions (2):

Labcorp Genetics (formerly Invitae), Labcorp
Classification: Uncertain significance for RASopathy. Last evaluated: 2025-05-23. Review status: criteria provided, single submitter. Criteria: Invitae Variant Classification Sherloc (09022015). Collection method: clinical testing. Allele origin: germline.
Comment: This sequence change replaces proline, which is neutral and non-polar, with serine, which is neutral and polar, at codon 384 of the RAF1 protein (p.Pro384Ser). This variant is not present in population databases (gnomAD no frequency). This variant has not been reported in the literature in individuals affected with RAF1-related conditions. ClinVar contains an entry for this variant (Variation ID: 863709). Invitae Evidence Modeling incorporating data from in vitro experimental studies (internal data) did not meet the statistical confidence thresholds required to predict the impact of this variant on RAF1 function. In summary, the available evidence is currently insufficient to determine the role of this variant in disease. Therefore, it has been classified as a Variant of Uncertain Significance.

Blueprint Genetics
Classification: Uncertain significance. Last evaluated: 2023-03-24. Review status: criteria provided, single submitter. Criteria: ACMG Guidelines, 2015. Collection method: clinical testing. Allele origin: germline.